The following is an entry in ClinVar:

ClinVar aggregate classification (germline): Conflicting classifications of pathogenicity. Review status: criteria provided, conflicting classifications (1 of 4 stars). 2 submissions from 2 submitters: Uncertain significance (1); Likely benign (1). Last evaluated 2023-03-23.

Conditions:
Hereditary cancer-predisposing syndrome. Also called: Neoplastic Syndromes, Hereditary; Tumor predisposition; Hereditary neoplastic syndrome; Hereditary Cancer Syndrome. Identifiers: Orphanet 140162, MedGen C0027672, MeSH D009386, MONDO:0015356.

Allele frequency attached by ClinVar (database versions not stated): gnomAD exomes below 0.00001.
gnomAD v4.1: 2 of 1,601,014 alleles (0.00012%); highest among the groups gnomAD compares: Non-Finnish European, 0.000085%; no homozygotes.

Submissions (2):

University of Washington Department of Laboratory Medicine, University of Washington
Classification: Likely benign for Hereditary cancer-predisposing syndrome. Last evaluated: 2023-03-23. Review status: criteria provided, single submitter. Criteria: Dines et al. (Genet Med. 2020). Collection method: curation. Allele origin: germline.
Comment: Missense variant in a coldspot region where missense variants are very unlikely to be pathogenic (PMID:31911673).

BRCA2 exon 11 coldspot. Reclassification based on statistical prior probability.

Ambry Genetics
Classification: Uncertain significance for Hereditary cancer-predisposing syndrome. Last evaluated: 2019-09-17. Review status: criteria provided, single submitter. Criteria: Ambry Variant Classification Scheme 2023. Collection method: clinical testing. Allele origin: germline.
Comment: The p.I1111T variant (also known as c.3332T>C), located in coding exon 10 of the BRCA2 gene, results from a T to C substitution at nucleotide position 3332. The isoleucine at codon 1111 is replaced by threonine, an amino acid with similar properties. This amino acid position is well conserved in available vertebrate species. In addition, the in silico prediction for this alteration is inconclusive. Since supporting evidence is limited at this time, the clinical significance of this alteration remains unclear.

NM_000059.4(BRCA2):c.3332T>C (p.Ile1111Thr)

Gene: BRCA2 (BRCA2 DNA repair associated; plus strand). Cytogenetic location: 13q13.1.
Variant type: single nucleotide variant.
Coding change: c.3332T>C on transcript NM_000059.4 (MANE Select); coding-DNA position 3332, T replaced by C.
Protein change: p.Ile1111Thr; replaces isoleucine 1111 with threonine.
Molecular consequence: missense variant.
Genome position (GRCh38, 1-based): chr13:32,337,687, T>C. VCF-style: chr13-32337687-T-C. GRCh37 (hg19) VCF-style: chr13-32911824-T-C.
Other names: short protein forms I1111T.
Identifiers: ClinVar variation 823617 (VCV000823617.6), dbSNP rs1593899223, ClinGen allele CA387776279.
Genomic context (GRCh38, chr13:32,337,687, plus strand): 5'-TATTTTCCAAGCAGGATTTTAATTCAAACCATAATTTAACACCTAGCCAAAAGGCAGAAA[T>C]TACAGAACTTTCTACTATATTAGAAGAATCAGGAAGTCAGTTTGAATTTACTCAGTTTAG-3'
Protein context (NP_000050.3, residues 1101-1121): HNLTPSQKAE[Ile1111Thr]TELSTILEES